The following is an entry in ClinVar:

NM_032043.3(BRIP1):c.1667dup (p.Tyr556Ter)

Gene: BRIP1 (BRCA1 interacting DNA helicase 1; minus strand). Cytogenetic location: 17q23.2.
Variant type: Duplication.
Coding change: c.1667dup on transcript NM_032043.3 (MANE Select); coding-DNA position 1667, one base duplicated (A; older notation c.1667dupA).
Protein change: p.Tyr556Ter; replaces tyrosine 556 with a stop codon.
Molecular consequence: nonsense. On other transcripts: frameshift variant (1).
Genome position (GRCh38, 1-based): chr17:61,780,967, T duplicated on the plus strand (A on the coding strand, the reverse complement: BRIP1 is on the minus strand). VCF-style (leftmost placement, unchanged base first): chr17-61780966-G-GT. GRCh37 (hg19) VCF-style: chr17-59858327-G-GT.
Other names: c.1667dupA (NM_032043.2); short protein forms Y556*.
Identifiers: ClinVar variation 3993159 (VCV003993159.1).

ClinVar aggregate classification (germline): Pathogenic (1 of 4 stars; one submission).

Conditions:
Hereditary cancer-predisposing syndrome. Also called: Tumor predisposition; Hereditary neoplastic syndrome; Neoplastic Syndromes, Hereditary; Hereditary Cancer Syndrome. Identifiers: Orphanet 140162, MedGen C0027672, MeSH D009386, MONDO:0015356.

Submission:

Ambry Genetics
Classification: Pathogenic for Hereditary cancer-predisposing syndrome. Last evaluated: 2025-06-11. Review status: criteria provided, single submitter. Criteria: Ambry Variant Classification Scheme 2023. Collection method: clinical testing. Allele origin: germline.
Comment: The c.1667dupA pathogenic mutation, located in coding exon 11 of the BRIP1 gene, results from a duplication of A at nucleotide position 1667, causing a translational frameshift with a predicted alternate stop codon (p.Y556*). This variant is considered to be rare based on population cohorts in the Genome Aggregation Database (gnomAD). This alteration is expected to result in loss of function by premature protein truncation or nonsense-mediated mRNA decay. As such, this alteration is interpreted as a disease-causing mutation.